The following is an entry in ClinVar:

ClinVar aggregate classification (germline): Uncertain significance. Review status: criteria provided, multiple submitters, no conflicts (2 of 4 stars). 3 submissions from 3 submitters: Uncertain significance (3). Last evaluated 2026-03-17.

Conditions:
Hereditary cancer-predisposing syndrome. Also called: Hereditary Cancer Syndrome; Neoplastic Syndromes, Hereditary; Tumor predisposition; Hereditary neoplastic syndrome. Identifiers: Orphanet 140162, MedGen C0027672, MeSH D009386, MONDO:0015356.
Lynch syndrome. Identifiers: Orphanet 144, MedGen C4552100, MONDO:0005835. Disease mechanism: loss of function.
Hereditary nonpolyposis colorectal neoplasms. Identifiers: MedGen C0009405, MeSH D003123.

Submissions (3):

Ambry Genetics
Classification: Uncertain significance for Hereditary cancer-predisposing syndrome. Last evaluated: 2026-03-17. Review status: criteria provided, single submitter. Criteria: Ambry Variant Classification Scheme 2023. Collection method: clinical testing. Allele origin: germline.
Comment: The p.K1001N variant (also known as c.3003G>C), located in coding exon 4 of the MSH6 gene, results from a G to C substitution at nucleotide position 3003. The lysine at codon 1001 is replaced by asparagine, an amino acid with similar properties. This amino acid position is conserved. In addition, the in silico prediction for this alteration is inconclusive. Based on the available evidence, the clinical significance of this variant remains unclear.

All of Us Research Program, National Institutes of Health
Classification: Uncertain significance for Lynch syndrome. Last evaluated: 2024-03-24. Review status: criteria provided, single submitter. Criteria: ACMG Guidelines, 2015. Collection method: clinical testing. Allele origin: germline. Inheritance: Autosomal dominant inheritance. Observed: 1 variant allele, 1 heterozygote.
Comment: This missense variant replaces lysine with asparagine at codon 1001 of the MSH6 protein. Computational prediction suggests that this variant may have deleterious impact on protein structure and function (internally defined REVEL score threshold >= 0.7, PMID: 27666373). To our knowledge, functional studies have not been reported for this variant. This variant has not been reported in individuals affected with MSH6-related disorders in the literature. This variant has not been identified in the general population by the Genome Aggregation Database (gnomAD). The available evidence is insufficient to determine the role of this variant in disease conclusively. Therefore, this variant is classified as a Variant of Uncertain Significance.

This study involves interpretation of variants in research participants for the purpose of population health screening. Participant phenotype was not available at the time of variant classification. Additional details can be found in publication PMID: 35346344, PMCID: PMC8962531

Labcorp Genetics (formerly Invitae), Labcorp
Classification: Uncertain significance for Hereditary nonpolyposis colorectal neoplasms. Last evaluated: 2022-08-16. Review status: criteria provided, single submitter. Criteria: Invitae Variant Classification Sherloc (09022015). Collection method: clinical testing. Allele origin: germline.
Comment: In summary, the available evidence is currently insufficient to determine the role of this variant in disease. Therefore, it has been classified as a Variant of Uncertain Significance. Advanced modeling of protein sequence and biophysical properties (such as structural, functional, and spatial information, amino acid conservation, physicochemical variation, residue mobility, and thermodynamic stability) performed at Invitae indicates that this missense variant is expected to disrupt MSH6 protein function. ClinVar contains an entry for this variant (Variation ID: 972244). This variant has not been reported in the literature in individuals affected with MSH6-related conditions. This variant is not present in population databases (gnomAD no frequency). This sequence change replaces lysine, which is basic and polar, with asparagine, which is neutral and polar, at codon 1001 of the MSH6 protein (p.Lys1001Asn).

NM_000179.3(MSH6):c.3003G>C (p.Lys1001Asn)

Gene: MSH6 (mutS homolog 6; plus strand). Cytogenetic location: 2p16.3.
Variant type: single nucleotide variant.
Coding change: c.3003G>C on transcript NM_000179.3 (MANE Select); coding-DNA position 3003, G replaced by C.
Protein change: p.Lys1001Asn; replaces lysine 1001 with asparagine.
Molecular consequence: missense variant.
Genome position (GRCh38, 1-based): chr2:47,800,986, G>C. VCF-style: chr2-47800986-G-C. GRCh37 (hg19) VCF-style: chr2-48028125-G-C.
Other names: c.2613G>C, p.Lys871Asn (NM_001281492.2); c.2097G>C, p.Lys699Asn (NM_001281493.2, NM_001281494.2); short protein forms K871N, K1001N, K699N.
Identifiers: ClinVar variation 972244 (VCV000972244.12), dbSNP rs1669537777, ClinGen allele CA346756403.
Genomic context (GRCh38, chr2:47,800,986, plus strand): 5'-TCCTGAGAATTTCACCACTCGCAATTTGCCAGAAGAATACGAGTTGAAATCTACCAAGAA[G>C]GGCTGTAAACGATACTGGACCAAAACTATTGAAAAGAAGTTGGCTAATCTCATAAATGCT-3'
Protein context (NP_000170.1, residues 991-1011): PEEYELKSTK[Lys1001Asn]GCKRYWTKTI